The following is an entry in ClinVar:

ClinVar aggregate classification (germline): Uncertain significance (1 of 4 stars; one submission).

gnomAD v4.1: 6 of 1,614,066 alleles (0.00037%); highest among the groups gnomAD compares: Non-Finnish European, 0.00051%; no homozygotes.

Submission:

Dasa
Classification: Uncertain significance. Last evaluated: 2025-11-22. Review status: criteria provided, single submitter. Criteria: DASA Assertion Criteria. Collection method: clinical testing. Allele origin: germline.
Comment: NM_015205.3(ATP11A):c.824T>A (p.Met275Lys) is a missense variant that results in the substitution of methionine with lysine. This variant is rare in population databases. Computational prediction algorithms are consistent with a deleterious effect. The currently available literature and clinical evidence are not sufficient to establish a definitive association between this variant and the reported condition. Therefore, this variant is classified as a variant of uncertain significance.

NM_015205.3(ATP11A):c.824T>A (p.Met275Lys)

Gene: ATP11A (ATPase phospholipid transporting 11A; plus strand). Cytogenetic location: 13q34.
Variant type: single nucleotide variant.
Coding change: c.824T>A on transcript NM_015205.3 (MANE Select); coding-DNA position 824, T replaced by A.
Protein change: p.Met275Lys; replaces methionine 275 with lysine.
Molecular consequence: missense variant.
Genome position (GRCh38, 1-based): chr13:112,824,377, T>A. VCF-style: chr13-112824377-T-A. GRCh37 (hg19) VCF-style: chr13-113478691-T-A.
Other names: c.824T>A, p.Met275Lys (NM_001405661.1, NM_001405662.1, NM_001405663.1 and 1 more transcripts); short protein forms M275K.
Identifiers: ClinVar variation 4885772 (VCV004885772.2).